The following is an entry in ClinVar:

ClinVar aggregate classification (germline): Uncertain significance. Review status: criteria provided, multiple submitters, no conflicts (2 of 4 stars). 2 submissions from 2 submitters: Uncertain significance (2). Last evaluated 2024-01-22.

Conditions:
T-B+ severe combined immunodeficiency due to JAK3 deficiency. Also called: SCID, T CELL-NEGATIVE, B CELL-POSITIVE, NK CELL-NEGATIVE; SCID, autosomal recessive, T-negative/B-positive type. Identifiers: Orphanet 35078, MedGen C1833275, MONDO:0010938, OMIM 600802.
Inborn genetic diseases. Identifiers: MedGen C0950123, MeSH D030342.

Allele frequency attached by ClinVar (database versions not stated): TOPMed below 0.00001; gnomAD exomes 0.00002.
gnomAD v4.1: 32 of 1,584,400 alleles (0.002%); highest among the groups gnomAD compares: Middle Eastern, 0.15%; no homozygotes.

Submissions (2):

Labcorp Genetics (formerly Invitae), Labcorp
Classification: Uncertain significance for T-B+ severe combined immunodeficiency due to JAK3 deficiency. Last evaluated: 2024-01-22. Review status: criteria provided, single submitter. Criteria: Invitae Variant Classification Sherloc (09022015). Collection method: clinical testing. Allele origin: germline.
Comment: This sequence change replaces threonine, which is neutral and polar, with alanine, which is neutral and non-polar, at codon 253 of the JAK3 protein (p.Thr253Ala). This variant is present in population databases (rs749177540, gnomAD 0.003%). This variant has not been reported in the literature in individuals affected with JAK3-related conditions. ClinVar contains an entry for this variant (Variation ID: 2150743). Advanced modeling of protein sequence and biophysical properties (such as structural, functional, and spatial information, amino acid conservation, physicochemical variation, residue mobility, and thermodynamic stability) performed at Invitae indicates that this missense variant is not expected to disrupt JAK3 protein function with a negative predictive value of 80%. In summary, the available evidence is currently insufficient to determine the role of this variant in disease. Therefore, it has been classified as a Variant of Uncertain Significance.

Ambry Genetics
Classification: Uncertain significance for Inborn genetic diseases. Last evaluated: 2021-07-09. Review status: criteria provided, single submitter. Criteria: Ambry Variant Classification Scheme 2023. Collection method: clinical testing. Allele origin: germline.

NM_000215.4(JAK3):c.757A>G (p.Thr253Ala)

Gene: JAK3 (Janus kinase 3; minus strand). Cytogenetic location: 19p13.11.
Variant type: single nucleotide variant.
Coding change: c.757A>G on transcript NM_000215.4 (MANE Select); coding-DNA position 757, A replaced by G.
Protein change: p.Thr253Ala; replaces threonine 253 with alanine.
Molecular consequence: missense variant.
Genome position (GRCh38, 1-based): chr19:17,842,420, T>C on the plus strand (A>G on the coding strand, the complement: JAK3 is on the minus strand). VCF-style: chr19-17842420-T-C. GRCh37 (hg19) VCF-style: chr19-17953229-T-C.
Other names: short protein forms T253A.
Identifiers: ClinVar variation 2150743 (VCV002150743.3), dbSNP rs749177540, ClinGen allele CA9302095.